The following is an entry in ClinVar:

NM_004999.4(MYO6):c.2162A>G (p.Tyr721Cys)

Gene: MYO6 (myosin VI; plus strand). Cytogenetic location: 6q14.1.
Variant type: single nucleotide variant.
Coding change: c.2162A>G on transcript NM_004999.4 (MANE Select); coding-DNA position 2162, A replaced by G.
Protein change: p.Tyr721Cys; replaces tyrosine 721 with cysteine.
Molecular consequence: missense variant. On other transcripts: non-coding transcript variant (1).
Genome position (GRCh38, 1-based): chr6:75,879,904, A>G. VCF-style: chr6-75879904-A-G. GRCh37 (hg19) VCF-style: chr6-76589621-A-G.
Other names: c.2162A>G, p.Tyr721Cys (NM_001300899.2, NM_001368136.1, NM_001368137.1 and 2 more transcripts); c.2147A>G, p.Tyr716Cys (NM_001368138.1); short protein forms Y716C, Y721C.
Identifiers: ClinVar variation 1314415 (VCV001314415.4), dbSNP rs1777881219, ClinGen allele CA364772219.
Genomic context (GRCh38, chr6:75,879,904, plus strand): 5'-TGCAGGGTGGTTACCCATCACGAGCTTCATTTCATGAACTCTACAACATGTACAAAAAGT[A>G]TATGCCAGATAAACTTGCAAGATTGGATCCAAGACTATTTTGTAAGGTATAAATGCCACC-3'
Protein context (NP_004990.3, residues 711-731): FHELYNMYKK[Tyr721Cys]MPDKLARLDP

ClinVar aggregate classification (germline): Uncertain significance. Review status: criteria provided, multiple submitters, no conflicts (2 of 4 stars). 2 submissions from 2 submitters: Uncertain significance (2). Last evaluated 2026-09-09.

Conditions:
Inborn genetic diseases. Identifiers: MedGen C0950123, MeSH D030342.

Allele frequency attached by ClinVar (database versions not stated): gnomAD exomes below 0.00001; TOPMed below 0.00001; gnomAD 0.00001.
gnomAD v4.1: 7 of 1,614,052 alleles (0.00043%); highest among the groups gnomAD compares: African/African-American, 0.0013%; no homozygotes.

Submissions (2):

GeneDx
Classification: Uncertain significance. Last evaluated: 2026-09-09. Review status: criteria provided, single submitter. Criteria: GeneDx Variant Classification Process June 2021. Collection method: clinical testing. Allele origin: germline.
Comment: Not observed at significant frequency in large population cohorts (gnomAD); In silico analysis supports that this missense variant has a deleterious effect on protein structure/function; Has not been previously published as pathogenic or benign to our knowledge

Ambry Genetics
Classification: Uncertain significance for Inborn genetic diseases. Last evaluated: 2025-05-01. Review status: criteria provided, single submitter. Criteria: Ambry Variant Classification Scheme 2023. Collection method: clinical testing. Allele origin: germline.